The following is an entry in ClinVar:

NM_004385.5(VCAN):c.9314A>G (p.Tyr3105Cys)

Genes: VCAN (versican; plus strand), VCAN-AS1 (VCAN antisense RNA 1; minus strand). Cytogenetic location: 5q14.3.
Variant type: single nucleotide variant.
Coding change: c.9314A>G on transcript NM_004385.5 (MANE Select); coding-DNA position 9314, A replaced by G.
Protein change: p.Tyr3105Cys; replaces tyrosine 3105 with cysteine.
Molecular consequence: missense variant.
Genome position (GRCh38, 1-based): chr5:83,545,585, A>G. VCF-style: chr5-83545585-A-G. GRCh37 (hg19) VCF-style: chr5-82841404-A-G.
Other names: c.1091A>G, p.Tyr364Cys (NM_001126336.3); c.6353A>G, p.Tyr2118Cys (NM_001164097.2); c.4052A>G, p.Tyr1351Cys (NM_001164098.2); short protein forms Y2118C, Y364C, Y3105C, Y1351C.
Identifiers: ClinVar variation 1360491 (VCV001360491.8), dbSNP rs2112457007, ClinGen allele CA360296373.

ClinVar aggregate classification (germline): Uncertain significance (1 of 4 stars; one submission).

gnomAD v4.1: 1 of 1,614,184 alleles (0.000062%); highest among the groups gnomAD compares: Non-Finnish European, 0.000085%; no homozygotes.

Submission:

Labcorp Genetics (formerly Invitae), Labcorp
Classification: Uncertain significance. Last evaluated: 2021-04-16. Review status: criteria provided, single submitter. Criteria: Invitae Variant Classification Sherloc (09022015). Collection method: clinical testing. Allele origin: germline.
Comment: This variant is not present in population databases (ExAC no frequency). This sequence change replaces tyrosine with cysteine at codon 3105 of the VCAN protein (p.Tyr3105Cys). The tyrosine residue is highly conserved and there is a large physicochemical difference between tyrosine and cysteine. This variant has not been reported in the literature in individuals with VCAN-related conditions. Algorithms developed to predict the effect of missense changes on protein structure and function (SIFT, PolyPhen-2, Align-GVGD) all suggest that this variant is likely to be disruptive, but these predictions have not been confirmed by published functional studies and their clinical significance is uncertain. In summary, the available evidence is currently insufficient to determine the role of this variant in disease. Therefore, it has been classified as a Variant of Uncertain Significance.